The following is an entry in ClinVar:

ClinVar aggregate classification (germline): Likely benign (1 of 4 stars; one submission).

Submission:

GeneDx
Classification: Likely benign. Last evaluated: 2018-03-13. Review status: criteria provided, single submitter. Criteria: GeneDx Variant Classification (06012015). Collection method: clinical testing. Allele origin: germline. Affected: yes.
Comment: This variant is considered likely benign or benign based on one or more of the following criteria: it is a conservative change, it occurs at a poorly conserved position in the protein, it is predicted to be benign by multiple in silico algorithms, and/or has population frequency not consistent with disease.

NM_001844.5(COL2A1):c.-41_-40delinsTT

Gene: COL2A1 (collagen type II alpha 1 chain; minus strand). Cytogenetic location: 12q13.11.
Variant type: Indel.
Coding change: c.-41_-40delinsTT on transcript NM_001844.5 (MANE Select); 41 bases upstream of the start codon through 40 bases upstream of the start codon, GC replaced by TT.
Molecular consequence: 5 prime UTR variant.
Genome position (GRCh38, 1-based): chr12:48,004,361-48,004,362, GC replaced by AA on the plus strand (GC replaced by TT on the coding strand, the reverse complement: COL2A1 is on the minus strand). VCF-style: chr12-48004361-GC-AA. GRCh37 (hg19) VCF-style: chr12-48398144-GC-AA.
Other names: c.-41_-40delinsTT (NM_033150.3).
Identifiers: ClinVar variation 516042 (VCV000516042.1), dbSNP rs1555170134, ClinGen allele CA658797899.
Genomic context (GRCh38, chr12:48,004,361, plus strand): 5'-GGGAGCCCCGAGGCGAATCATGGCTCACCGCGGGGCCTGGCTGAGCCGGGCCCGGGCGGA[GC>AA]GCAGCGAAACGGCAGGAGCACGGCGCGGGTCCGGGTCTCTACCGCGCCCTCATGCAGGAG-3'